The following is an entry in ClinVar:

ClinVar aggregate classification (germline): Benign. Review status: criteria provided, single submitter (1 of 4 stars). 2 submissions from 2 submitters: Benign (1). 1 of the submissions does not count toward it. Last evaluated 2025-12-03.

Conditions:
PREPL-related disorder. Also called: PREPL-related condition.
Myasthenic syndrome, congenital, 22 (CMS22). Also called: PREPL DEFICIENCY. Identifiers: MedGen C4479088, MONDO:0044299, OMIM 616224.

Allele frequency attached by ClinVar (database versions not stated): ExAC 0.00012; gnomAD 0.00013; TOPMed 0.00013; gnomAD exomes 0.00016.
gnomAD v4.1: 107 of 1,613,674 alleles (0.0066%); highest among the groups gnomAD compares: East Asian, 0.22%; no homozygotes.

Submissions (2):

Labcorp Genetics (formerly Invitae), Labcorp
Classification: Benign for Myasthenic syndrome, congenital, 22. Last evaluated: 2025-12-03. Review status: criteria provided, single submitter. Criteria: Invitae Variant Classification Sherloc (09022015). Collection method: clinical testing. Allele origin: germline.

PreventionGenetics, part of Exact Sciences
Classification: Likely benign for PREPL-related condition. Last evaluated: 2019-04-01. Review status: no assertion criteria provided. Collection method: clinical testing. Allele origin: germline. Not counted in ClinVar's aggregate classification.
Comment: This variant is classified as likely benign based on ACMG/AMP sequence variant interpretation guidelines (Richards et al. 2015 PMID: 25741868, with internal and published modifications).

NM_001171613.2(PREPL):c.249C>G (p.Ala83=)

Gene: PREPL (prolyl endopeptidase like; minus strand). Cytogenetic location: 2p21.
Variant type: single nucleotide variant.
Coding change: c.249C>G on transcript NM_001171613.2 (MANE Select); coding-DNA position 249, C replaced by G.
Protein change: p.Ala83=; no amino-acid change (alanine 83 retained).
Molecular consequence: synonymous variant.
Genome position (GRCh38, 1-based): chr2:44,343,845, G>C on the plus strand (C>G on the coding strand, the complement: PREPL is on the minus strand). VCF-style: chr2-44343845-G-C. GRCh37 (hg19) VCF-style: chr2-44570984-G-C.
Other names: c.516C>G, p.Ala172= (NM_001042385.2, NM_001042386.2, NM_001171603.1 and 4 more transcripts); c.249C>G, p.Ala83= (NM_001171617.1, NM_001374277.1).
Identifiers: ClinVar variation 733103 (VCV000733103.12), dbSNP rs773977540, ClinGen allele CA1641561.